The following is an entry in ClinVar:

NM_006231.4(POLE):c.2706+11G>C

Gene: POLE (DNA polymerase epsilon, catalytic subunit; minus strand). Cytogenetic location: 12q24.33.
Variant type: single nucleotide variant.
Coding change: c.2706+11G>C on transcript NM_006231.4 (MANE Select); 11 bases into the intron after coding-DNA position 2706, G replaced by C.
Molecular consequence: intron variant.
Genome position (GRCh38, 1-based): chr12:132,663,993, C>G on the plus strand (G>C on the coding strand, the complement: POLE is on the minus strand). VCF-style: chr12-132663993-C-G. GRCh37 (hg19) VCF-style: chr12-133240579-C-G.
Identifiers: ClinVar variation 514754 (VCV000514754.6), dbSNP rs1555226410, ClinGen allele CA658797987.

ClinVar aggregate classification (germline): Likely benign. Review status: criteria provided, multiple submitters, no conflicts (2 of 4 stars). 3 submissions from 3 submitters: Likely benign (3). Last evaluated 2024-01-05.

Conditions:
Colorectal cancer, susceptibility to, 12 (CRCS12). Also called: COLORECTAL CANCER, SUSCEPTIBILITY TO, ON CHROMOSOME 12q24. Identifiers: Orphanet 220460, MedGen C3554460, MONDO:0014038, OMIM 615083.
Facial dysmorphism-immunodeficiency-livedo-short stature syndrome. Also called: Facial dysmorphism, immunodeficiency, livedo, and short stature; FILS syndrome. Identifiers: Orphanet 352712, MedGen C3554576, MONDO:0014058, OMIM 615139.

Submissions (3):

Labcorp Genetics (formerly Invitae), Labcorp
Classification: Likely benign. Last evaluated: 2024-01-05. Review status: criteria provided, single submitter. Criteria: Invitae Variant Classification Sherloc (09022015). Collection method: clinical testing. Allele origin: germline.

Fulgent Genetics
Classification: Likely benign for Colorectal cancer, susceptibility to, 12; Facial dysmorphism-immunodeficiency-livedo-short stature syndrome. Last evaluated: 2018-10-31. Review status: criteria provided, single submitter. Criteria: ACMG Guidelines, 2015. Collection method: clinical testing. Allele origin: unknown.

GeneDx
Classification: Likely benign. Last evaluated: 2018-01-10. Review status: criteria provided, single submitter. Criteria: GeneDx Variant Classification (06012015). Collection method: clinical testing. Allele origin: germline. Affected: yes.
Comment: This variant is considered likely benign or benign based on one or more of the following criteria: it is a conservative change, it occurs at a poorly conserved position in the protein, it is predicted to be benign by multiple in silico algorithms, and/or has population frequency not consistent with disease.